The following is an entry in ClinVar:

ClinVar aggregate classification (germline): Uncertain significance (1 of 4 stars; one submission).

Submission:

Ambry Genetics
Classification: Uncertain significance. Last evaluated: 2024-11-28. Review status: criteria provided, single submitter. Criteria: Ambry Variant Classification Scheme 2023. Collection method: clinical testing. Allele origin: germline.
Comment: The p.E266A variant (also known as c.797A>C), located in coding exon 5 of the ATRIP gene, results from an A to C substitution at nucleotide position 797. The glutamic acid at codon 266 is replaced by alanine, an amino acid with dissimilar properties. This amino acid position is conserved. In addition, this alteration is predicted to be tolerated by in silico analysis. Based on the available evidence, the clinical significance of this variant remains unclear.

NM_130384.3(ATRIP):c.797A>C (p.Glu266Ala)

Genes: ATRIP (ATR interacting protein; plus strand), ATRIP-TREX1 (ATRIP-TREX1 readthrough; plus strand). Cytogenetic location: 3p21.31.
Variant type: single nucleotide variant.
Coding change: c.797A>C on transcript NM_130384.3 (MANE Select); coding-DNA position 797, A replaced by C.
Protein change: p.Glu266Ala; replaces glutamic acid 266 with alanine.
Molecular consequence: missense variant. On other transcripts: non-coding transcript variant (1).
Genome position (GRCh38, 1-based): chr3:48,457,384, A>C. VCF-style: chr3-48457384-A-C. GRCh37 (hg19) VCF-style: chr3-48498784-A-C.
Other names: c.416A>C, p.Glu139Ala (NM_001271022.2); c.518A>C, p.Glu173Ala (NM_001271023.2); c.797A>C, p.Glu266Ala (NM_032166.4); short protein forms E266A, E139A, E173A.
Identifiers: ClinVar variation 3464760 (VCV003464760.1).